The following is an entry in ClinVar:

ClinVar aggregate classification (germline): Pathogenic. Review status: criteria provided, multiple submitters, no conflicts (2 of 4 stars). 10 submissions from 10 submitters: Pathogenic (8). 2 of the submissions do not count toward it. Last evaluated 2025-09-01.

Conditions:
C5ORF42 & CPLANE1-related disorders.
Joubert syndrome 17 (JBTS17). Identifiers: Orphanet 475, MedGen C3553264, MONDO:0013824, OMIM 614615.
Orofaciodigital syndrome type 6 (OFD6). Also called: Oral-facial-digital syndrome type 6; Central polydactyly cleft lip/palate or lingual lump and psychomotor retardation; Y-shaped central metacarpal and cerebellar defect; Joubert syndrome with orofacialdigital anomalies; OROFACIODIGITAL SYNDROME VI; OFDS VI. Identifiers: Orphanet 2754, MedGen C2745997, MONDO:0010176, OMIM 277170.

Allele frequency attached by ClinVar (database versions not stated): gnomAD 0.00001; TOPMed 0.00002; gnomAD exomes 0.00004 and 0.00006; ExAC 0.00005; ESP Exome Variant Server 0.00008.
gnomAD v4.1: 53 of 1,610,252 alleles (0.0033%); highest among the groups gnomAD compares: South Asian, 0.011%; no homozygotes.

Submissions (10):

Labcorp Genetics (formerly Invitae), Labcorp
Classification: Pathogenic. Last evaluated: 2025-09-01. Review status: criteria provided, single submitter. Criteria: Invitae Variant Classification Sherloc (09022015). Collection method: clinical testing. Allele origin: germline.
Comment: This sequence change creates a premature translational stop signal (p.Arg2493*) in the CPLANE1 gene. It is expected to result in an absent or disrupted protein product. Loss-of-function variants in CPLANE1 are known to be pathogenic (PMID: 24178751, 26092869). This variant is present in population databases (rs139675596, gnomAD 0.01%). This premature translational stop signal has been observed in individuals with Joubert syndrome (PMID: 22425360, 26092869). ClinVar contains an entry for this variant (Variation ID: 31223). For these reasons, this variant has been classified as Pathogenic.

Department of Pathology and Laboratory Medicine, Sinai Health System
Classification: Pathogenic for Joubert syndrome 17. Last evaluated: 2023-04-11. Review status: criteria provided, single submitter. Criteria: ACMG Guidelines, 2015. Collection method: research. Allele origin: germline.

Blueprint Genetics
Classification: Pathogenic for C5ORF42 & CPLANE1-related disorders. Last evaluated: 2022-09-30. Review status: criteria provided, single submitter. Criteria: ACMG Guidelines, 2015. Collection method: clinical testing. Allele origin: germline. Affected: yes. Observed: 5 variant alleles.

GeneDx
Classification: Pathogenic. Last evaluated: 2022-07-19. Review status: criteria provided, single submitter. Criteria: GeneDx Variant Classification Process June 2021. Collection method: clinical testing. Allele origin: germline. Affected: yes.
Comment: Observed with a second CPLANE1 variant on the opposite allele (in trans) in an individual with Joubert syndrome in published literature (Srour et al., 2012); Observed with a second CPLANE1 variant or in the homozygous state in four individuals with Joubert syndrome from three unrelated families (Bachmann-Gagescu et al., 2015); Nonsense variant predicted to result in protein truncation or nonsense mediated decay in a gene for which loss of function is a known mechanism of disease; Not observed at significant frequency in large population cohorts (gnomAD); This variant is associated with the following publications: (PMID: 22425360, 26092869, 30712878)

Fulgent Genetics
Classification: Pathogenic for Orofaciodigital syndrome type 6; Joubert syndrome 17. Last evaluated: 2021-10-29. Review status: criteria provided, single submitter. Criteria: ACMG Guidelines, 2015. Collection method: clinical testing. Allele origin: unknown.

Victorian Clinical Genetics Services, Murdoch Childrens Research Institute
Classification: Pathogenic for Joubert syndrome 17. Last evaluated: 2020-10-15. Review status: criteria provided, single submitter. Criteria: ACMG Guidelines, 2015. Collection method: clinical testing. Allele origin: germline. Inheritance: Autosomal recessive inheritance.
Comment: Based on the classification scheme VCGS_Germline_v1.3.3, this variant is classified as Pathogenic. Following criteria are met: 0102 - Loss of function is a known mechanism of disease in this gene and is associated with Joubert syndrome 17 (MIM#614615) and Orofaciodigital syndrome 6 (MIM#277170). (I) 0106 - This gene is associated with autosomal recessive disease. (I) 0201 - Variant is predicted to cause nonsense-mediated decay (NMD) and loss of protein (premature termination codon is located at least 54 nucleotides upstream of the final exon-exon junction). (SP) 0251 - This variant is heterozygous. (I) 0304 - Variant is present in gnomAD (v2) <0.01 for a recessive condition (14 heterozygotes, 0 homozygotes). (SP) 0402 - Variant is located in a gene associated with a severe early-onset recessive condition that is intolerant to bi-allelic loss of function variants (gnomAD, OMIM). (SP) 0701 - Other NMD-predicted variants comparable to the one identified in this case have very strong previous evidence for pathogenicity. Multiple NMD-predicted variants have been reported as pathogenic or likely pathogenic in the ClinVar database. (SP) 0801 - This variant has strong previous evidence of pathogenicity in unrelated individuals. This variant has been reported in the compound heterozygous or homozygous state in multiple individuals with Joubert syndrome (ClinVar, PMID:22425360, 26092869, 25407461). (I) Legend: (SP) - Supporting pathogenic, (I) - Information, (SB) - Supporting benign

Broad Center for Mendelian Genomics, Broad Institute of MIT and Harvard
Classification: Pathogenic for Joubert syndrome 17. Last evaluated: 2018-12-03. Review status: criteria provided, single submitter. Criteria: ACMG Guidelines, 2015. Collection method: research. Allele origin: germline. Inheritance: Autosomal recessive inheritance. Affected: yes.
Comment: This variant has been identified in 0.005767% (14/242764) of chromosomes by the Genome Aggregation Database (gnomAD; dbSNP rs139675596). Although this variant has been seen in the general population, its frequency is low enough to be consistent with a recessive carrier frequency. The p.Arg2493Ter variant in C5orf42 has been reported as a causative variant in 3 mixed European and Native American families with Joubert syndrome and in the compound heterozygous state in one individual with a missense variant, which has been reported in trans with 3 other loss of function variants (PMID: 26092869, 22425360). Loss of function of the C5orf42 gene is an established disease mechanism for autosomal recessive Joubert syndrome, and this is a loss of function variant. In summary, the p.Arg2493Ter variant is pathogenic. ACMG/AMP Criteria applied: PM2, PP3, PM3_Supporting (Richards 2015).

UW Hindbrain Malformation Research Program, University of Washington
Classification: Pathogenic for Joubert syndrome 17. Last evaluated: 2015-02-23. Review status: criteria provided, single submitter. Criteria: Bachmann-Gagescu et al. (J Med Genet. 2015). Collection method: research. Allele origin: unknown. Affected: yes.

OMIM
Classification: Pathogenic for JOUBERT SYNDROME 17. Last evaluated: 2012-04-06. Review status: no assertion criteria provided. Collection method: literature only. Allele origin: germline. Not counted in ClinVar's aggregate classification.

GeneReviews
No classification provided. Condition: Joubert syndrome 17. Review status: no classification provided. Collection method: literature only. Allele origin: germline. Not counted in ClinVar's aggregate classification.

Literature cited by the submitters: PubMed 24178751 (cited by Labcorp Genetics (formerly Invitae), Labcorp); PubMed 26092869 (cited by 3 submitters); PubMed 22425360 (cited by 4 submitters); PubMed 25407461 (cited by Victorian Clinical Genetics Services, Murdoch Childrens Research Institute); NCBI Bookshelf NBK1325 (cited by GeneReviews); PubMed 20301500 (cited by GeneReviews).

NM_001384732.1(CPLANE1):c.7477C>T (p.Arg2493Ter)

Gene: CPLANE1 (ciliogenesis and planar polarity effector complex subunit 1; minus strand). Cytogenetic location: 5p13.2.
Variant type: single nucleotide variant.
Coding change: c.7477C>T on transcript NM_001384732.1 (MANE Select); coding-DNA position 7477, C replaced by T.
Protein change: p.Arg2493Ter; replaces arginine 2493 with a stop codon.
Molecular consequence: nonsense.
Genome position (GRCh38, 1-based): chr5:37,165,595, G>A on the plus strand (C>T on the coding strand, the complement: CPLANE1 is on the minus strand). VCF-style: chr5-37165595-G-A. GRCh37 (hg19) VCF-style: chr5-37165697-G-A.
Other names: CPLANE1, ARG2493TER (rs139675596); c.7477C>T, p.Arg2493Ter (NM_023073.4); short protein forms R2493*.
Identifiers: ClinVar variation 31223 (VCV000031223.19), dbSNP rs139675596, ClinGen allele CA342796.
Genomic context (GRCh38, chr5:37,165,595, plus strand): 5'-ATACCTTGGGTTTCTTAATGATTTCTGAATCATCATTATTAATTATGGAATTCTCTGGTC[G>A]AAAAGTCACATTTGGTTTTCTCCTCAGTTTCTCACATCTTTTTTCTTGCAGCTCTTTCTC-3'